The following is an entry in ClinVar:

NM_001042492.3(NF1):c.544T>G (p.Tyr182Asp)

Gene: NF1 (neurofibromin 1; plus strand). Cytogenetic location: 17q11.2.
Variant type: single nucleotide variant.
Coding change: c.544T>G on transcript NM_001042492.3 (MANE Select); coding-DNA position 544, T replaced by G.
Protein change: p.Tyr182Asp; replaces tyrosine 182 with aspartic acid.
Molecular consequence: missense variant.
Genome position (GRCh38, 1-based): chr17:31,169,955, T>G. VCF-style: chr17-31169955-T-G. GRCh37 (hg19) VCF-style: chr17-29496973-T-G.
Other names: c.544T>G, p.Tyr182Asp (NM_000267.4, NM_001128147.3); short protein forms Y182D.
Identifiers: ClinVar variation 825745 (VCV000825745.4), dbSNP rs1597643876, ClinGen allele CA398985189.

ClinVar aggregate classification (germline): Uncertain significance (1 of 4 stars; one submission).

Conditions:
Hereditary cancer-predisposing syndrome. Also called: Neoplastic Syndromes, Hereditary; Tumor predisposition; Hereditary neoplastic syndrome; Hereditary Cancer Syndrome. Identifiers: Orphanet 140162, MedGen C0027672, MeSH D009386, MONDO:0015356.
Cardiovascular phenotype. Identifiers: MedGen CN230736.

Submission:

Ambry Genetics
Classification: Uncertain significance for Cardiovascular phenotype; Hereditary cancer-predisposing syndrome. Last evaluated: 2018-10-04. Review status: criteria provided, single submitter. Criteria: Ambry Variant Classification Scheme 2023. Collection method: clinical testing. Allele origin: germline.
Comment: The p.Y182D variant (also known as c.544T>G), located in coding exon 5 of the NF1 gene, results from a T to G substitution at nucleotide position 544. The tyrosine at codon 182 is replaced by aspartic acid, an amino acid with highly dissimilar properties. This amino acid position is highly conserved in available vertebrate species. In addition, this alteration is predicted to be deleterious by in silico analysis. Since supporting evidence is limited at this time, the clinical significance of this alteration remains unclear.